The following is an entry in ClinVar:

ClinVar aggregate classification (germline): Conflicting classifications of pathogenicity. Review status: criteria provided, conflicting classifications (1 of 4 stars). 3 submissions from 3 submitters: Uncertain significance (2); Likely benign (1). Last evaluated 2024-01-08.

Conditions:
Inborn genetic diseases. Identifiers: MedGen C0950123, MeSH D030342.
Imerslund-Grasbeck syndrome type 2. Also called: Megaloblastic anemia 1, Norwegian type; MEGALOBLASTIC ANEMIA, NORWEGIAN TYPE; Imerslund-Gräsbeck syndrome 2. Identifiers: MedGen C4016948, MONDO:0100157, OMIM 618882.
Imerslund-Grasbeck syndrome. Also called: ENTEROCYTE COBALAMIN MALABSORPTION; ENTEROCYTE INTRINSIC FACTOR RECEPTOR, DEFECT OF; PERNICIOUS ANEMIA, JUVENILE, DUE TO SELECTIVE INTESTINAL MALABSORPTION OF VITAMIN B12, WITH PROTEINURIA; Imerslund-Gräsbeck syndrome; Megaloblastic anemia due to inborn errors of metabolism. Identifiers: Orphanet 35858, MedGen C4551825, MONDO:0009853.

Allele frequency attached by ClinVar (database versions not stated): gnomAD exomes 0.00001; gnomAD 0.00002; TOPMed 0.00002.
gnomAD v4.1: 26 of 1,564,604 alleles (0.0017%); highest among the groups gnomAD compares: Non-Finnish European, 0.0019%; no homozygotes.

Submissions (3):

Fulgent Genetics
Classification: Uncertain significance for Imerslund-Grasbeck syndrome type 2. Last evaluated: 2024-01-08. Review status: criteria provided, single submitter. Criteria: ACMG Guidelines, 2015. Collection method: clinical testing. Allele origin: germline.

Ambry Genetics
Classification: Likely benign for Inborn genetic diseases. Last evaluated: 2023-01-23. Review status: criteria provided, single submitter. Criteria: Ambry Variant Classification Scheme 2023. Collection method: clinical testing. Allele origin: germline.

Labcorp Genetics (formerly Invitae), Labcorp
Classification: Uncertain significance for Imerslund-Grasbeck syndrome. Last evaluated: 2022-08-31. Review status: criteria provided, single submitter. Criteria: Invitae Variant Classification Sherloc (09022015). Collection method: clinical testing. Allele origin: germline.
Comment: This sequence change replaces serine, which is neutral and polar, with proline, which is neutral and non-polar, at codon 298 of the AMN protein (p.Ser298Pro). This variant is present in population databases (no rsID available, gnomAD 0.01%). This variant has not been reported in the literature in individuals affected with AMN-related conditions. Algorithms developed to predict the effect of missense changes on protein structure and function output the following: SIFT: "Tolerated"; PolyPhen-2: "Benign"; Align-GVGD: "Class C0". The proline amino acid residue is found in multiple mammalian species, which suggests that this missense change does not adversely affect protein function. In summary, the available evidence is currently insufficient to determine the role of this variant in disease. Therefore, it has been classified as a Variant of Uncertain Significance.

NM_030943.4(AMN):c.892T>C (p.Ser298Pro)

Gene: AMN (amnion associated transmembrane protein; plus strand). Cytogenetic location: 14q32.32.
Variant type: single nucleotide variant.
Coding change: c.892T>C on transcript NM_030943.4 (MANE Select); coding-DNA position 892, T replaced by C.
Protein change: p.Ser298Pro; replaces serine 298 with proline.
Molecular consequence: missense variant.
Genome position (GRCh38, 1-based): chr14:102,929,972, T>C. VCF-style: chr14-102929972-T-C. GRCh37 (hg19) VCF-style: chr14-103396309-T-C.
Other names: short protein forms S298P.
Identifiers: ClinVar variation 2042982 (VCV002042982.3), dbSNP rs1371462518, ClinGen allele CA391083000.